The following is an entry in ClinVar:

ClinVar aggregate classification (germline): Uncertain significance. Review status: criteria provided, multiple submitters, no conflicts (2 of 4 stars). 2 submissions from 2 submitters: Uncertain significance (2). Last evaluated 2026-08-06.

Submissions (2):

OLLIN Analises Genomicas, OLLIN
Classification: Uncertain significance. Last evaluated: 2026-08-06. Review status: criteria provided, single submitter. Criteria: ACMG Guidelines 2015 PMID 25741868. Collection method: clinical testing. Allele origin: germline.
Comment: This in-frame duplication, located in exon 1 (of 14), has been reported in ClinVar (accession VCV004823344.3) and in gnomAD with an allele frequency of 0.00016%. However, to our knowledge, it has not been reported in the scientific literature. This variant adds 2 amino acids, preserving the reading frame and leading to an increased protein length. According to the currently available evidence, this variant has been classified as uncertain significance (PM2_P, BP3).

CeGaT Center for Human Genetics Tuebingen
Classification: Uncertain significance. Last evaluated: 2026-02-01. Review status: criteria provided, single submitter. Criteria: CeGaT Center For Human Genetics Tuebingen Variant Classification Criteria Version 2. Collection method: clinical testing. Allele origin: germline. Affected: yes. Observed: 1 variant allele.

NM_019842.4(KCNQ5):c.66_71dup (p.Ala27_Gly28insAlaAla)

Genes: KCNQ5 (potassium voltage-gated channel subfamily Q member 5; plus strand), KCNQ5-DT (KCNQ5 divergent transcript; minus strand), LOC129996711 (ATAC-STARR-seq lymphoblastoid silent region 17329; plus strand). Cytogenetic location: 6q13.
Variant type: Duplication.
Coding change: c.66_71dup on transcript NM_019842.4 (MANE Select); coding-DNA positions 66 to 71, 6 bases duplicated (AGCGGC; older notation c.66_71dupAGCGGC).
Protein change: p.Ala27_Gly28insAlaAla.
Molecular consequence: inframe insertion.
Genome position (GRCh38, 1-based): chr6:72,622,255-72,622,260, AGCGGC duplicated; duplicating any 6 consecutive bases within chr6:72,622,253-72,622,260 gives the same sequence; the c. name uses the placement nearest the transcript's 3' end. VCF-style (leftmost placement, unchanged base first): chr6-72622252-C-CGCAGCG. GRCh37 (hg19) VCF-style: chr6-73331980-C-CGCAGCG.
Other names: c.66_71dup, p.Ala27_Gly28insAlaAla (NM_001160130.2, NM_001160132.2, NM_001160133.2 and 1 more transcripts).
Identifiers: ClinVar variation 4823344 (VCV004823344.5).